The following is an entry in ClinVar:

NC_000008.10:g.(?_11565822)_(11615984_?)del

Gene: GATA4 (GATA binding protein 4). Cytogenetic location: 8p23.1.
Variant type: Deletion.
Identifiers: ClinVar variation 3245522 (VCV003245522.1).

ClinVar aggregate classification (germline): Pathogenic (1 of 4 stars; one submission).

Conditions:
Atrioventricular septal defect 4 (AVSD4). Identifiers: MedGen C3280781, MONDO:0013747, OMIM 614430.

Submission:

Labcorp Genetics (formerly Invitae), Labcorp
Classification: Pathogenic for Atrioventricular septal defect 4. Last evaluated: 2023-10-22. Review status: criteria provided, single submitter. Criteria: Invitae Variant Classification Sherloc (09022015). Collection method: clinical testing. Allele origin: unknown.
Comment: A gross deletion of the genomic region encompassing the full coding sequence of the GATA4 gene has been identified. Loss-of-function variants in GATA4 are known to be pathogenic (PMID: 12845333, 15235040). The boundaries of this event are unknown as they extend beyond the assayed region for this gene and therefore may encompass additional genes. Isolated whole-gene deletions of GATA4 have not been reported in the literature. However, larger copy number events that include this gene have been reported (PMID: 21834050, 25205790, 25516202). For these reasons, this variant has been classified as Pathogenic.

Literature cited by the submitters: PubMed 12845333; PubMed 15235040; PubMed 21834050; PubMed 25205790; PubMed 25516202.